The following is an entry in ClinVar:

ClinVar aggregate classification (germline): Uncertain significance. Review status: criteria provided, multiple submitters, no conflicts (2 of 4 stars). 2 submissions from 2 submitters: Uncertain significance (2). Last evaluated 2025-05-12.

Submissions (2):

GeneDx
Classification: Uncertain significance. Last evaluated: 2025-05-12. Review status: criteria provided, single submitter. Criteria: GeneDx Variant Classification Process June 2021. Collection method: clinical testing. Allele origin: germline. Affected: yes.
Comment: Not observed at significant frequency in large population cohorts (gnomAD); In silico analysis supports that this missense variant has a deleterious effect on protein structure/function; Has not been previously published as pathogenic or benign to our knowledge

Revvity Omics, Revvity
Classification: Uncertain significance. Last evaluated: 2024-10-23. Review status: criteria provided, single submitter. Criteria: ACMG Guidelines, 2015. Collection method: clinical testing. Allele origin: germline.

NM_001142864.4(PIEZO1):c.4796C>T (p.Pro1599Leu)

Gene: PIEZO1 (piezo type mechanosensitive ion channel component 1 (Er blood group); minus strand). Cytogenetic location: 16q24.3.
Variant type: single nucleotide variant.
Coding change: c.4796C>T on transcript NM_001142864.4 (MANE Select); coding-DNA position 4796, C replaced by T.
Protein change: p.Pro1599Leu; replaces proline 1599 with leucine.
Molecular consequence: missense variant.
Genome position (GRCh38, 1-based): chr16:88,722,377, G>A on the plus strand (C>T on the coding strand, the complement: PIEZO1 is on the minus strand). VCF-style: chr16-88722377-G-A. GRCh37 (hg19) VCF-style: chr16-88788785-G-A.
Other names: c.4796C>T (NM_001142864.2); short protein forms P1599L.
Identifiers: ClinVar variation 4079567 (VCV004079567.2).
Genomic context (GRCh38, chr16:88,722,377, plus strand): 5'-CTGCGCGTGTGGTAGCCGGTGCTCAGGGGGCTGCCCATGTCGTCTGTCATGCTGCTGAGT[G>A]GCTCCTCCGCGCCCAGCCCACTGGGGAGGGAAGCCGAGTCACAGAGAATCCTGCTCTATG-3'
Protein context (NP_001136336.2, residues 1589-1609): TVSSGLGAEE[Pro1599Leu]LSSMTDDMGS